The following is an entry in ClinVar:

ClinVar aggregate classification (germline): Likely pathogenic (1 of 4 stars; one submission).

Allele frequency attached by ClinVar (database versions not stated): ExAC 0.00001.

Submissions (2):

Labcorp Genetics (formerly Invitae), Labcorp
Classification: Likely pathogenic. Last evaluated: 2023-12-05. Review status: criteria provided, single submitter. Criteria: Invitae Variant Classification Sherloc (09022015). Collection method: clinical testing. Allele origin: germline.
Comment: This sequence change affects a donor splice site in intron 7 of the COL27A1 gene. It is expected to disrupt RNA splicing. Variants that disrupt the donor or acceptor splice site typically lead to a loss of protein function (PMID: 16199547), and loss-of-function variants in COL27A1 are known to be pathogenic (PMID: 24986830, 28276056). This variant is not present in population databases (gnomAD no frequency). This variant has not been reported in the literature in individuals affected with COL27A1-related conditions. Algorithms developed to predict the effect of sequence changes on RNA splicing suggest that this variant may disrupt the consensus splice site. In summary, the currently available evidence indicates that the variant is pathogenic, but additional data are needed to prove that conclusively. Therefore, this variant has been classified as Likely Pathogenic.

Dr. Peter K. Rogan Lab, Western University
No classification provided (evidence only). Condition: Familial cancer of breast. Review status: no classification provided. Collection method: in vitro. Allele origin: not applicable. Functional consequence: retained intron. Not counted in ClinVar's aggregate classification.

Literature cited by the submitters: PubMed 16199547 (cited by Labcorp Genetics (formerly Invitae), Labcorp); PubMed 24986830 (cited by Labcorp Genetics (formerly Invitae), Labcorp); PubMed 28276056 (cited by Labcorp Genetics (formerly Invitae), Labcorp).

NM_032888.4(COL27A1):c.2124+2T>C

Gene: COL27A1 (collagen type XXVII alpha 1 chain; plus strand). Cytogenetic location: 9q32.
Variant type: single nucleotide variant.
Coding change: c.2124+2T>C on transcript NM_032888.4 (MANE Select); the canonical splice donor site of the intron after coding-DNA position 2124, T replaced by C.
Molecular consequence: splice donor variant.
Genome position (GRCh38, 1-based): chr9:114,196,014, T>C. VCF-style: chr9-114196014-T-C. GRCh37 (hg19) VCF-style: chr9-116958294-T-C.
Identifiers: ClinVar variation 2793628 (VCV002793628.4), dbSNP rs760476125, ClinGen allele CA5201617.
Genomic context (GRCh38, chr9:114,196,014, plus strand): 5'-TCCAGGGTGACATGGGCTTGCCTGGGCTCTCCGGGAATCCAGGACCTCCGGGACGAAAGG[T>C]ACTGTTTGGTTTTGATGCTTTGCCTTGCGCAGTGGGCCTCCTAGCAAGCCAGGTCTTCAG-3'